The following is an entry in ClinVar:

ClinVar aggregate classification (germline): Uncertain significance (1 of 4 stars; one submission).

Submission:

GeneDx
Classification: Uncertain significance. Last evaluated: 2023-10-26. Review status: criteria provided, single submitter. Criteria: GeneDx Variant Classification Process June 2021. Collection method: clinical testing. Allele origin: germline. Affected: yes.
Comment: Not observed at significant frequency in large population cohorts (gnomAD); In silico analysis supports that this missense variant does not alter protein structure/function; Has not been previously published as pathogenic or benign to our knowledge

NM_018489.3(ASH1L):c.5592G>T (p.Met1864Ile)

Gene: ASH1L (ASH1 like histone lysine methyltransferase; minus strand). Cytogenetic location: 1q22.
Variant type: single nucleotide variant.
Coding change: c.5592G>T on transcript NM_018489.3 (MANE Select); coding-DNA position 5592, G replaced by T.
Protein change: p.Met1864Ile; replaces methionine 1864 with isoleucine.
Molecular consequence: missense variant.
Genome position (GRCh38, 1-based): chr1:155,438,563, C>A on the plus strand (G>T on the coding strand, the complement: ASH1L is on the minus strand). VCF-style: chr1-155438563-C-A. GRCh37 (hg19) VCF-style: chr1-155408354-C-A.
Other names: c.5592G>T, p.Met1864Ile (NM_001366177.2); short protein forms M1864I.
Identifiers: ClinVar variation 3363527 (VCV003363527.1).